The following is an entry in ClinVar:

NM_001042492.3(NF1):c.401_402del (p.Leu134fs)

Gene: NF1 (neurofibromin 1; plus strand). Cytogenetic location: 17q11.2.
Variant type: Deletion.
Coding change: c.401_402del on transcript NM_001042492.3 (MANE Select); coding-DNA positions 401 to 402, 2 bases deleted (TT; older notation c.401_402delTT).
Protein change: p.Leu134fs; shifts the reading frame from leucine 134.
Molecular consequence: frameshift variant.
Genome position (GRCh38, 1-based): chr17:31,163,298-31,163,299, TT deleted. VCF-style (leftmost placement, unchanged base first): chr17-31163297-CTT-C. GRCh37 (hg19) VCF-style: chr17-29490315-CTT-C.
Other names: c.401_402delTT, p.Leu134Profs (NM_000267.4); c.401_402del, p.Leu134fs (NM_001128147.3); short protein forms L134fs.
Identifiers: ClinVar variation 2087734 (VCV002087734.4), dbSNP rs2544701125, ClinGen allele CA2580092872.

ClinVar aggregate classification (germline): Pathogenic (1 of 4 stars; one submission).

Conditions:
Neurofibromatosis, type 1 (NF1). Also called: NEUROFIBROMATOSIS, TYPE I, SOMATIC; Neurofibromatosis, type I; Peripheral type neurofibromatosis; VON RECKLINGHAUSEN DISEASE. Identifiers: Orphanet 636, MedGen C0027831, MONDO:0018975, OMIM 162200. Disease mechanism: loss of function.

Submission:

Labcorp Genetics (formerly Invitae), Labcorp
Classification: Pathogenic for Neurofibromatosis, type 1. Last evaluated: 2022-01-18. Review status: criteria provided, single submitter. Criteria: Invitae Variant Classification Sherloc (09022015). Collection method: clinical testing. Allele origin: germline.
Comment: This sequence change creates a premature translational stop signal (p.Leu134Profs*21) in the NF1 gene. It is expected to result in an absent or disrupted protein product. Loss-of-function variants in NF1 are known to be pathogenic (PMID: 10712197, 23913538). For these reasons, this variant has been classified as Pathogenic. This variant has not been reported in the literature in individuals affected with NF1-related conditions. This variant is not present in population databases (gnomAD no frequency).

Literature cited by the submitters: PubMed 10712197; PubMed 23913538.